The following is an entry in ClinVar:

ClinVar aggregate classification (germline): Uncertain significance. Review status: criteria provided, multiple submitters, no conflicts (2 of 4 stars). 3 submissions from 3 submitters: Uncertain significance (2). 1 of the submissions does not count toward it. Last evaluated 2024-10-08.

Conditions:
Sialuria. Also called: Sialic Acid Storage Disease; SIALURIA, FRENCH TYPE. Identifiers: Orphanet 3166, MedGen C0342853, MONDO:0010028, OMIM 269921.
GNE myopathy (NM). Also called: NONAKA DISTAL MYOPATHY; IBM 2; Inclusion body myopathy autosomal recessive; Inclusion body myopathy quadriceps sparing; INCLUSION BODY MYOPATHY, HEREDITARY, AUTOSOMAL RECESSIVE; INCLUSION BODY MYOPATHY 2, AUTOSOMAL RECESSIVE. Identifiers: Orphanet 602, MedGen C1853926, MONDO:0011603, OMIM 605820.

Allele frequency attached by ClinVar (database versions not stated): ExAC 0.00003; gnomAD exomes 0.00003; gnomAD 0.00005 and 0.00006; TOPMed 0.00005; ESP Exome Variant Server 0.00015.
gnomAD v4.1: 60 of 1,613,804 alleles (0.0037%); highest among the groups gnomAD compares: Non-Finnish European, 0.0048%; no homozygotes.

Submissions (3):

Labcorp Genetics (formerly Invitae), Labcorp
Classification: Uncertain significance for Sialuria; GNE myopathy. Last evaluated: 2024-10-08. Review status: criteria provided, single submitter. Criteria: Invitae Variant Classification Sherloc (09022015). Collection method: clinical testing. Allele origin: germline.
Comment: This sequence change replaces alanine, which is neutral and non-polar, with valine, which is neutral and non-polar, at codon 655 of the GNE protein (p.Ala655Val). This variant is present in population databases (rs200278654, gnomAD 0.01%). This variant has not been reported in the literature in individuals affected with GNE-related conditions. ClinVar contains an entry for this variant (Variation ID: 285685). Invitae Evidence Modeling of protein sequence and biophysical properties (such as structural, functional, and spatial information, amino acid conservation, physicochemical variation, residue mobility, and thermodynamic stability) has been performed for this missense variant. However, the output from this modeling did not meet the statistical confidence thresholds required to predict the impact of this variant on GNE protein function. In summary, the available evidence is currently insufficient to determine the role of this variant in disease. Therefore, it has been classified as a Variant of Uncertain Significance.

Eurofins Ntd Llc (ga)
Classification: Uncertain significance. Last evaluated: 2017-03-23. Review status: criteria provided, single submitter. Criteria: EGL Classification Definitions 2015. Collection method: clinical testing. Allele origin: germline. Observed: 2 variant alleles, 2 heterozygotes.

Natera, Inc.
Classification: Uncertain significance for Nonaka myopathy. Last evaluated: 2020-02-13. Review status: no assertion criteria provided. Collection method: clinical testing. Allele origin: germline. Not counted in ClinVar's aggregate classification.

NM_005476.7(GNE):c.1871C>T (p.Ala624Val)

Gene: GNE (glucosamine (UDP-N-acetyl)-2-epimerase/N-acetylmannosamine kinase; minus strand). Cytogenetic location: 9p13.3.
Variant type: single nucleotide variant.
Coding change: c.1871C>T on transcript NM_005476.7 (MANE Select); coding-DNA position 1871, C replaced by T.
Protein change: p.Ala624Val; replaces alanine 624 with valine.
Molecular consequence: missense variant.
Genome position (GRCh38, 1-based): chr9:36,218,245, G>A on the plus strand (C>T on the coding strand, the complement: GNE is on the minus strand). VCF-style: chr9-36218245-G-A. GRCh37 (hg19) VCF-style: chr9-36218242-G-A.
Other names: c.1964C>T, p.Ala655Val (NM_001128227.3); c.1649C>T, p.Ala550Val (NM_001190383.3); c.1541C>T, p.Ala514Val (NM_001190384.3); c.1694C>T, p.Ala565Val (NM_001190388.2, NM_001374798.1); c.1718C>T, p.Ala573Val (NM_001374797.1); short protein forms A655V, A624V, A550V, A514V, A565V, A573V.
Identifiers: ClinVar variation 285685 (VCV000285685.8), dbSNP rs200278654, ClinGen allele CA5056402.